The following is an entry in ClinVar:

ClinVar aggregate classification (germline): Uncertain significance (1 of 4 stars; one submission).

gnomAD v4.1: 2 of 1,614,078 alleles (0.00012%); highest among the groups gnomAD compares: Non-Finnish European, 0.000085%; no homozygotes.

Submission:

Labcorp Genetics (formerly Invitae), Labcorp
Classification: Uncertain significance. Last evaluated: 2025-11-11. Review status: criteria provided, single submitter. Criteria: Invitae Variant Classification Sherloc (09022015). Collection method: clinical testing. Allele origin: germline.
Comment: This sequence change replaces glycine, which is neutral and non-polar, with glutamic acid, which is acidic and polar, at codon 273 of the REN protein (p.Gly273Glu). This variant also falls at the last nucleotide of exon 7, which is part of the consensus splice site for this exon. This variant is not present in population databases (gnomAD no frequency). This variant has not been reported in the literature in individuals affected with REN-related conditions. An algorithm developed to predict the effect of missense changes on protein structure and function (PolyPhen-2) suggests that this variant is likely to be disruptive. Variants that disrupt the consensus splice site are a relatively common cause of aberrant splicing (PMID: 17576681, 9536098). Algorithms developed to predict the effect of sequence changes on RNA splicing suggest that this variant may disrupt the consensus splice site. In summary, the available evidence is currently insufficient to determine the role of this variant in disease. Therefore, it has been classified as a Variant of Uncertain Significance.

Literature cited by the submitters: PubMed 17576681; PubMed 9536098.

NM_000537.4(REN):c.818G>A (p.Gly273Glu)

Gene: REN (renin; minus strand). Cytogenetic location: 1q32.1.
Variant type: single nucleotide variant.
Coding change: c.818G>A on transcript NM_000537.4 (MANE Select); coding-DNA position 818, G replaced by A.
Protein change: p.Gly273Glu; replaces glycine 273 with glutamic acid.
Molecular consequence: missense variant.
Genome position (GRCh38, 1-based): chr1:204,156,677, C>T on the plus strand (G>A on the coding strand, the complement: REN is on the minus strand). VCF-style: chr1-204156677-C-T. GRCh37 (hg19) VCF-style: chr1-204125805-C-T.
Other names: short protein forms G273E.
Identifiers: ClinVar variation 4805946 (VCV004805946.1).